The following is an entry in ClinVar:

ClinVar aggregate classification (germline): Uncertain significance (1 of 4 stars; one submission).

Conditions:
Heterotopia, periventricular, X-linked dominant (PVNH1). Also called: PERIVENTRICULAR NODULAR HETEROTOPIA 1; PERIVENTRICULAR NODULAR HETEROTOPIA 4; HETEROTOPIA, PERIVENTRICULAR, 1; X-linked periventricular heterotopia. Identifiers: Orphanet 2149, Orphanet 82004, MedGen C1848213, MONDO:0010233, OMIM 300049.
Melnick-Needles syndrome (MNS). Also called: Melnick-Needles Syndrome (FLNA-MNS); MELNICK-NEEDLES OSTEODYSPLASTY; OSTEODYSPLASTY OF MELNICK AND NEEDLES. Identifiers: Orphanet 2484, MedGen C0025237, MONDO:0010650, OMIM 309350.
Oto-palato-digital syndrome, type II (OPD2). Also called: Otopalatodigital Syndrome Type 2 (FLNA-OPD2); FACIOPALATOOSSEOUS SYNDROME; OPD II SYNDROME; Otopalatodigital Syndrome, Type II. Identifiers: Orphanet 669, Orphanet 90652, MedGen C1844696, MONDO:0010571, OMIM 304120.
Frontometaphyseal dysplasia (FMD1). Identifiers: Orphanet 1826, MedGen C0265293, MONDO:0015942.

Submission:

Labcorp Genetics (formerly Invitae), Labcorp
Classification: Uncertain significance for Oto-palato-digital syndrome, type II; Heterotopia, periventricular, X-linked dominant; Frontometaphyseal dysplasia; Melnick-Needles syndrome. Last evaluated: 2023-07-25. Review status: criteria provided, single submitter. Criteria: Invitae Variant Classification Sherloc (09022015). Collection method: clinical testing. Allele origin: germline.
Comment: This variant has not been reported in the literature in individuals affected with FLNA-related conditions. ClinVar contains an entry for this variant (Variation ID: 1952721). Advanced modeling of protein sequence and biophysical properties (such as structural, functional, and spatial information, amino acid conservation, physicochemical variation, residue mobility, and thermodynamic stability) performed at Invitae indicates that this missense variant is not expected to disrupt FLNA protein function. Algorithms developed to predict the effect of sequence changes on RNA splicing suggest that this variant may create or strengthen a splice site. In summary, the available evidence is currently insufficient to determine the role of this variant in disease. Therefore, it has been classified as a Variant of Uncertain Significance. This variant is not present in population databases (gnomAD no frequency). This sequence change replaces alanine, which is neutral and non-polar, with valine, which is neutral and non-polar, at codon 1825 of the FLNA protein (p.Ala1825Val).

NM_001110556.2(FLNA):c.5498C>T (p.Ala1833Val)

Gene: FLNA (filamin A; minus strand). Cytogenetic location: Xq28.
Variant type: single nucleotide variant.
Coding change: c.5498C>T on transcript NM_001110556.2 (MANE Select); coding-DNA position 5498, C replaced by T.
Protein change: p.Ala1833Val; replaces alanine 1833 with valine.
Molecular consequence: missense variant.
Genome position (GRCh38, 1-based): chrX:154,354,210, G>A on the plus strand (C>T on the coding strand, the complement: FLNA is on the minus strand). VCF-style: chrX-154354210-G-A. GRCh37 (hg19) VCF-style: chrX-153582578-G-A.
Other names: c.5474C>T, p.Ala1825Val (NM_001456.4); short protein forms A1825V, A1833V.
Identifiers: ClinVar variation 1952721 (VCV001952721.5), dbSNP rs2522726418, ClinGen allele CA415204060.
Genomic context (GRCh38, chrX:154,354,210, plus strand): 5'-CCTGGGATGTGCATGTTGTCATAGCGGATGTCCATCTCGTGCAGGCCAGCCTCGCTGGGT[G>A]CATACCGCACGGTCACGGTGCCGTCTTTGTTGTCAGTGATGGTGGGCTGCGCCACCTTGC-3'
Protein context (NP_001104026.1, residues 1823-1843): NKDGTVTVRY[Ala1833Val]PSEAGLHEMD